The following is an entry in ClinVar:

ClinVar aggregate classification (germline): Uncertain significance (1 of 4 stars; one submission).

Conditions:
Candidiasis, familial, 9 (CANDF9). Identifiers: Orphanet 1334, MedGen C4225324, MONDO:0014642, OMIM 616445.

gnomAD v4.1: 4 of 1,613,954 alleles (0.00025%); highest among the groups gnomAD compares: African/African-American, 0.0053%; no homozygotes.

Submission:

Labcorp Genetics (formerly Invitae), Labcorp
Classification: Uncertain significance for Candidiasis, familial, 9. Last evaluated: 2024-09-10. Review status: criteria provided, single submitter. Criteria: Invitae Variant Classification Sherloc (09022015). Collection method: clinical testing. Allele origin: germline.
Comment: This sequence change replaces proline, which is neutral and non-polar, with arginine, which is basic and polar, at codon 317 of the IL17RC protein (p.Pro317Arg). This variant is not present in population databases (gnomAD no frequency). This variant has not been reported in the literature in individuals affected with IL17RC-related conditions. An algorithm developed to predict the effect of missense changes on protein structure and function (PolyPhen-2) suggests that this variant is likely to be tolerated. In summary, the available evidence is currently insufficient to determine the role of this variant in disease. Therefore, it has been classified as a Variant of Uncertain Significance.

NM_153460.4(IL17RC):c.737C>G (p.Pro246Arg)

Gene: IL17RC (interleukin 17 receptor C; plus strand). Cytogenetic location: 3p25.3.
Variant type: single nucleotide variant.
Coding change: c.737C>G on transcript NM_153460.4 (MANE Select); coding-DNA position 737, C replaced by G.
Protein change: p.Pro246Arg; replaces proline 246 with arginine.
Molecular consequence: missense variant. On other transcripts: non-coding transcript variant (1), intron variant (1).
Genome position (GRCh38, 1-based): chr3:9,923,995, C>G. VCF-style: chr3-9923995-C-G. GRCh37 (hg19) VCF-style: chr3-9965679-C-G.
Other names: c.737C>G, p.Pro246Arg (NM_001203263.2, NM_001203264.2); c.692C>G, p.Pro231Arg (NM_001203265.2, NM_001367280.1, NM_001410711.1 and 1 more transcripts); c.617C>G, p.Pro206Arg (NM_001367279.1); c.950C>G, p.Pro317Arg (NM_153461.4); c.723+14C>G (NM_001367278.1); short protein forms P231R, P317R, P206R, P246R.
Identifiers: ClinVar variation 3707514 (VCV003707514.2).